The following is an entry in ClinVar:

NM_153033.5(KCTD7):c.796G>T (p.Val266Leu)

Gene: KCTD7 (potassium channel tetramerization domain containing 7; plus strand). Cytogenetic location: 7q11.21.
Variant type: single nucleotide variant.
Coding change: c.796G>T on transcript NM_153033.5 (MANE Select); coding-DNA position 796, G replaced by T.
Protein change: p.Val266Leu; replaces valine 266 with leucine.
Molecular consequence: missense variant.
Genome position (GRCh38, 1-based): chr7:66,639,158, G>T. VCF-style: chr7-66639158-G-T. GRCh37 (hg19) VCF-style: chr7-66104145-G-T.
Other names: c.796G>T, p.Val266Leu (NM_001167961.2); short protein forms V266L.
Identifiers: ClinVar variation 567133 (VCV000567133.6), dbSNP rs1297799073, ClinGen allele CA367697609.

ClinVar aggregate classification (germline): Uncertain significance (1 of 4 stars; one submission).

Conditions:
Progressive myoclonic epilepsy type 3. Also called: EPILEPSY, PROGRESSIVE MYOCLONIC, 3, WITH OR WITHOUT INTRACELLULAR INCLUSIONS; CEROID LIPOFUSCINOSIS, NEURONAL, 14; EPILEPSY, PROGRESSIVE MYOCLONIC, 3, WITHOUT INTRACELLULAR INCLUSIONS; KCTD7-Related Progressive Myoclonic Epilepsy. Identifiers: Orphanet 263516, MedGen C2673257, MONDO:0012721, OMIM 611726.

Submission:

Labcorp Genetics (formerly Invitae), Labcorp
Classification: Uncertain significance for Progressive myoclonic epilepsy type 3. Last evaluated: 2021-08-24. Review status: criteria provided, single submitter. Criteria: Invitae Variant Classification Sherloc (09022015). Collection method: clinical testing. Allele origin: germline.
Comment: This sequence change replaces valine with leucine at codon 266 of the KCTD7 protein (p.Val266Leu). The valine residue is highly conserved and there is a small physicochemical difference between valine and leucine. This variant is not present in population databases (ExAC no frequency). This variant has not been reported in the literature in individuals affected with KCTD7-related conditions. Algorithms developed to predict the effect of missense changes on protein structure and function are either unavailable or do not agree on the potential impact of this missense change (SIFT: "Deleterious"; PolyPhen-2: "Benign"; Align-GVGD: "Class C25"). In summary, the available evidence is currently insufficient to determine the role of this variant in disease. Therefore, it has been classified as a Variant of Uncertain Significance.